The following is an entry in ClinVar:

NM_001048174.2(MUTYH):c.225G>T (p.Trp75Cys)

Gene: MUTYH (mutY DNA glycosylase; minus strand). Cytogenetic location: 1p34.1.
Variant type: single nucleotide variant.
Coding change: c.225G>T on transcript NM_001048174.2 (MANE Select); coding-DNA position 225, G replaced by T.
Protein change: p.Trp75Cys; replaces tryptophan 75 with cysteine.
Molecular consequence: missense variant. On other transcripts: 5 prime UTR variant (4), non-coding transcript variant (2).
Genome position (GRCh38, 1-based): chr1:45,333,452, C>A on the plus strand (G>T on the coding strand, the complement: MUTYH is on the minus strand). VCF-style: chr1-45333452-C-A. GRCh37 (hg19) VCF-style: chr1-45799124-C-A.
Other names: c.225G>T, p.Trp75Cys (NM_001048171.2, NM_001048173.2, NM_001293195.2); c.228G>T, p.Trp76Cys (NM_001048172.2); c.309G>T, p.Trp103Cys (NM_001128425.2); c.270G>T, p.Trp90Cys (NM_001293190.2); c.258G>T, p.Trp86Cys (NM_001293191.2); c.-52G>T (NM_001293192.2, NM_001293196.2); c.-47G>T (NM_001350650.2, NM_001350651.2); c.300G>T, p.Trp100Cys (NM_012222.3); short protein forms W103C, W75C, W86C, W100C, W76C, W90C.
Identifiers: ClinVar variation 847182 (VCV000847182.10), dbSNP rs748170941, ClinGen allele CA340136409.
Genomic context (GRCh38, chr1:45,333,452, plus strand): 5'-CCCTGCTCCTCGCCTGCCTACCCGTCTTCTCCATGGTAGGTCCCGTTTCTCTTGGTCGTA[C>A]CAGCTTAGCAGGCTCCCTCGGAAGGCTGTGACTTCAGCTACGTCTCTGAATAGATGGTAT-3'
Protein context (NP_001041639.1, residues 65-85): VTAFRGSLLS[Trp75Cys]YDQEKRDLPW

ClinVar aggregate classification (germline): Uncertain significance (1 of 4 stars; one submission).

Conditions:
Familial adenomatous polyposis 2. Also called: FAP type 2; MUTYH Polyposis; COLORECTAL ADENOMATOUS POLYPOSIS, AUTOSOMAL RECESSIVE; ADENOMAS, MULTIPLE COLORECTAL, AUTOSOMAL RECESSIVE; MUTYH-associated polyposis; MUTYH-related attenuated familial adenomatous polyposis. Identifiers: Orphanet 220460, Orphanet 247798, MedGen C3272841, MONDO:0012041, OMIM 608456.

Submission:

Labcorp Genetics (formerly Invitae), Labcorp
Classification: Uncertain significance for Familial adenomatous polyposis 2. Last evaluated: 2019-12-20. Review status: criteria provided, single submitter. Criteria: Invitae Variant Classification Sherloc (09022015). Collection method: clinical testing. Allele origin: germline.
Comment: Algorithms developed to predict the effect of missense changes on protein structure and function (SIFT, PolyPhen-2, Align-GVGD) all suggest that this variant is likely to be disruptive, but these predictions have not been confirmed by published functional studies and their clinical significance is uncertain. This variant has not been reported in the literature in individuals with MUTYH-related conditions. This variant is not present in population databases (ExAC no frequency). This sequence change replaces tryptophan with cysteine at codon 103 of the MUTYH protein (p.Trp103Cys). The tryptophan residue is highly conserved and there is a large physicochemical difference between tryptophan and cysteine. In summary, the available evidence is currently insufficient to determine the role of this variant in disease. Therefore, it has been classified as a Variant of Uncertain Significance.